The following is an entry in ClinVar:

NM_002691.4(POLD1):c.774G>T (p.Thr258=)

Gene: POLD1 (DNA polymerase delta 1, catalytic subunit; plus strand). Cytogenetic location: 19q13.33.
Variant type: single nucleotide variant.
Coding change: c.774G>T on transcript NM_002691.4 (MANE Select); coding-DNA position 774, G replaced by T.
Protein change: p.Thr258=; no amino-acid change (threonine 258 retained).
Molecular consequence: synonymous variant. On other transcripts: non-coding transcript variant (1).
Genome position (GRCh38, 1-based): chr19:50,402,469, G>T. VCF-style: chr19-50402469-G-T. GRCh37 (hg19) VCF-style: chr19-50905726-G-T.
Other names: c.774G>T, p.Thr258= (NM_001256849.1, NM_001308632.1); c.774G>T (NM_002691.2).
Identifiers: ClinVar variation 385879 (VCV000385879.3), dbSNP rs1057522351, ClinGen allele CA16608331.
Genomic context (GRCh38, chr19:50,402,469, plus strand): 5'-CCACCCTCGGGCAGCCCCTGTCCACTGACCCCCAGCCCCCTCCAGGTTCATGGTGGACAC[G>T]GACATCGTCGGCTGCAACTGGCTGGAGCTCCCAGCTGGGAAATACGCCCTGAGGCTGAAG-3'
Protein context (NP_002682.2, residues 248-268): VDFEIRFMVD[Thr258=]DIVGCNWLEL

ClinVar aggregate classification (germline): Likely benign. Review status: criteria provided, multiple submitters, no conflicts (2 of 4 stars). 3 submissions from 3 submitters: Likely benign (3). Last evaluated 2025-08-03.

Conditions:
Hereditary cancer-predisposing syndrome. Also called: Neoplastic Syndromes, Hereditary; Hereditary neoplastic syndrome; Hereditary Cancer Syndrome; Tumor predisposition. Identifiers: Orphanet 140162, MedGen C0027672, MeSH D009386, MONDO:0015356.
POLD1-related polyposis and colorectal cancer syndrome (CRCS10). Also called: Colorectal cancer, susceptibility to, 10; Colorectal cancer 10; COLORECTAL CANCER, SUSCEPTIBILITY TO, ON CHROMOSOME 19q. Identifiers: Orphanet 220460, MedGen C2675481, MONDO:0012953, OMIM 612591.

gnomAD v4.1: 1 of 1,612,570 alleles (0.000062%); highest among the groups gnomAD compares: Non-Finnish European, 0.000085%; no homozygotes.

Submissions (3):

Ambry Genetics
Classification: Likely benign for Hereditary cancer-predisposing syndrome. Last evaluated: 2025-08-03. Review status: criteria provided, single submitter. Criteria: Ambry Variant Classification Scheme 2023. Collection method: clinical testing. Allele origin: germline.

Labcorp Genetics (formerly Invitae), Labcorp
Classification: Likely benign for POLD1-related polyposis and colorectal cancer syndrome. Last evaluated: 2025-02-11. Review status: criteria provided, single submitter. Criteria: Invitae Variant Classification Sherloc (09022015). Collection method: clinical testing. Allele origin: germline.

GeneDx
Classification: Likely benign. Last evaluated: 2016-04-29. Review status: criteria provided, single submitter. Criteria: GeneDx Variant Classification (06012015). Collection method: clinical testing. Allele origin: germline. Affected: yes.
Comment: This variant is considered likely benign or benign based on one or more of the following criteria: it is a conservative change, it occurs at a poorly conserved position in the protein, it is predicted to be benign by multiple in silico algorithms, and/or has population frequency not consistent with disease.